The following is an entry in ClinVar:

NM_025074.7(FRAS1):c.7999A>G (p.Ile2667Val)

Gene: FRAS1 (Fraser extracellular matrix complex subunit 1; plus strand). Cytogenetic location: 4q21.21.
Variant type: single nucleotide variant.
Coding change: c.7999A>G on transcript NM_025074.7 (MANE Select); coding-DNA position 7999, A replaced by G.
Protein change: p.Ile2667Val; replaces isoleucine 2667 with valine.
Molecular consequence: missense variant.
Genome position (GRCh38, 1-based): chr4:78,477,962, A>G. VCF-style: chr4-78477962-A-G. GRCh37 (hg19) VCF-style: chr4-79399116-A-G.
Other names: short protein forms I2667V.
Identifiers: ClinVar variation 373310 (VCV000373310.1), dbSNP rs1037570949, ClinGen allele CA16042492.
Genomic context (GRCh38, chr4:78,477,962, plus strand): 5'-GTGGAGCTCAGCATGCCAGCTTATGCCCTGTTAGGGGAATTCACCCAGGCGAAGGTCATT[A>G]TCAACGATACCGAGGATGAACCCACATTAGAGTTTGACAAGAAGATCTACTGGGTTAACG-3'
Protein context (NP_079350.5, residues 2657-2677): LGEFTQAKVI[Ile2667Val]NDTEDEPTLE

ClinVar aggregate classification (germline): Uncertain significance (1 of 4 stars; one submission).

Allele frequency attached by ClinVar (database versions not stated): TOPMed below 0.00001; gnomAD exomes 0.00001.
gnomAD v4.1: 7 of 1,613,384 alleles (0.00043%); highest among the groups gnomAD compares: Admixed American, 0.0067%; no homozygotes.

Submission:

GeneDx
Classification: Uncertain significance. Last evaluated: 2016-11-22. Review status: criteria provided, single submitter. Criteria: GeneDx Variant Classification (06012015). Collection method: clinical testing. Allele origin: germline. Affected: yes.
Comment: The I2667V variant in the FRAS1 gene has not been reported previously as a pathogenic variant, nor as a benign variant, to our knowledge. The I2667V variant was not observed in approximately 6100 individuals of European and African American ancestry in the NHLBI Exome Sequencing Project, indicating it is not a common benign variant in these populations. The I2667V variant is a conservative amino acid substitution, which is not likely to impact secondary protein structure as these residues share similar properties. However, this substitution occurs at a position that is conserved across species. In silico analysis is inconsistent in its predictions as to whether or not the variant is damaging to the protein structure/function. Therefore, we interpret I2667V as a variant of uncertain significance.